The following is an entry in ClinVar:

NM_000222.3(KIT):c.1171A>G (p.Thr391Ala)

Gene: KIT (KIT proto-oncogene, receptor tyrosine kinase; plus strand). Cytogenetic location: 4q12.
Variant type: single nucleotide variant.
Coding change: c.1171A>G on transcript NM_000222.3 (MANE Select); coding-DNA position 1171, A replaced by G.
Protein change: p.Thr391Ala; replaces threonine 391 with alanine.
Molecular consequence: missense variant.
Genome position (GRCh38, 1-based): chr4:54,709,479, A>G. VCF-style: chr4-54709479-A-G. GRCh37 (hg19) VCF-style: chr4-55575645-A-G.
Other names: c.1171A>G, p.Thr391Ala (NM_001093772.2, NM_001385285.1, NM_001385286.1); c.1174A>G, p.Thr392Ala (NM_001385284.1, NM_001385288.1, NM_001385290.1 and 1 more transcripts); short protein forms T391A, T392A.
Identifiers: ClinVar variation 968701 (VCV000968701.9), dbSNP rs757234342, ClinGen allele CA2923402.

ClinVar aggregate classification (germline): Uncertain significance. Review status: criteria provided, multiple submitters, no conflicts (2 of 4 stars). 3 submissions from 3 submitters: Uncertain significance (3). Last evaluated 2026-06-04.

Conditions:
Gastrointestinal stromal tumor. Also called: Gastrointestinal stromal tumor, somatic; Gastrointestinal stroma tumor. Identifiers: Orphanet 44890, MedGen C0238198, MeSH D046152, MONDO:0011719, OMIM 606764, HP:0100723.
Hereditary cancer-predisposing syndrome. Also called: Neoplastic Syndromes, Hereditary; Hereditary Cancer Syndrome; Hereditary neoplastic syndrome; Tumor predisposition. Identifiers: Orphanet 140162, MedGen C0027672, MeSH D009386, MONDO:0015356.

Allele frequency attached by ClinVar (database versions not stated): gnomAD exomes 0.00001; ExAC 0.00002.

Submissions (3):

Ambry Genetics
Classification: Uncertain significance for Hereditary cancer-predisposing syndrome. Last evaluated: 2026-06-04. Review status: criteria provided, single submitter. Criteria: Ambry Variant Classification Scheme 2023. Collection method: clinical testing. Allele origin: germline.
Comment: The p.T391A variant (also known as c.1171A>G), located in coding exon 7 of the KIT gene, results from an A to G substitution at nucleotide position 1171. The threonine at codon 391 is replaced by alanine, an amino acid with similar properties. This amino acid position is highly conserved in available vertebrate species. In addition, the in silico prediction for this alteration is inconclusive. Based on the available evidence, the clinical significance of this variant remains unclear.

Labcorp Genetics (formerly Invitae), Labcorp
Classification: Uncertain significance for Gastrointestinal stromal tumor. Last evaluated: 2024-09-19. Review status: criteria provided, single submitter. Criteria: Invitae Variant Classification Sherloc (09022015). Collection method: clinical testing. Allele origin: germline.
Comment: This sequence change replaces threonine, which is neutral and polar, with alanine, which is neutral and non-polar, at codon 391 of the KIT protein (p.Thr391Ala). This variant is present in population databases (rs757234342, gnomAD 0.009%). This variant has not been reported in the literature in individuals affected with KIT-related conditions. ClinVar contains an entry for this variant (Variation ID: 968701). An algorithm developed to predict the effect of missense changes on protein structure and function (PolyPhen-2) suggests that this variant¬†is likely to be tolerated. In summary, the available evidence is currently insufficient to determine the role of this variant in disease. Therefore, it has been classified as a Variant of Uncertain Significance.

Baylor Genetics
Classification: Uncertain significance for Gastrointestinal stromal tumor. Last evaluated: 2023-06-06. Review status: criteria provided, single submitter. Criteria: ACMG Guidelines, 2015. Collection method: clinical testing. Allele origin: unknown.